The following is an entry in ClinVar:

ClinVar aggregate classification (germline): Pathogenic (1 of 4 stars; one submission).

Conditions:
Familial adenomatous polyposis 2. Also called: COLORECTAL ADENOMATOUS POLYPOSIS, AUTOSOMAL RECESSIVE; ADENOMAS, MULTIPLE COLORECTAL, AUTOSOMAL RECESSIVE; MUTYH-associated polyposis; FAP type 2; MUTYH-related attenuated familial adenomatous polyposis; Adenomas, multiple colorectal. Identifiers: Orphanet 220460, Orphanet 247798, MedGen C3272841, MONDO:0012041, OMIM 608456.

Submission:

Labcorp Genetics (formerly Invitae), Labcorp
Classification: Pathogenic for Familial adenomatous polyposis 2. Last evaluated: 2016-11-22. Review status: criteria provided, single submitter. Criteria: Invitae Variant Classification Sherloc (09022015). Collection method: clinical testing. Allele origin: germline.
Comment: This variant is a gross deletion of the genomic region encompassing exons 4-16 of the MUTYH gene. The 5' boundary is likely confined to intron 3. The 3' end of this event is unknown as it extends through the termination codon beyond the assayed region for this gene and may encompass additional genes. While this deletion is not anticipated to result in nonsense mediated decay, it is expected to create a truncated protein product or disrupt mRNA translation. Loss-of-function variants in MUTYH are known to be pathogenic. This particular variant has been reported in the literature in the homozygous and compound heterozygous state in individuals affected with polyposis and colorectal cancer (PMID: 21962078, 23561487, 24953332). For these reasons, this variant has been classified as Pathogenic.

NC_000001.11:g.(?_45329306)_(45333324_?)del

Gene: MUTYH (mutY DNA glycosylase; minus strand). Cytogenetic location: 1p34.1.
Variant type: Deletion.
Identifiers: ClinVar variation 437842 (VCV000437842.1).